The following is an entry in ClinVar:

ClinVar aggregate classification (germline): Pathogenic (1 of 4 stars; one submission).

Submission:

Labcorp Genetics (formerly Invitae), Labcorp
Classification: Pathogenic. Last evaluated: 2024-01-21. Review status: criteria provided, single submitter. Criteria: Invitae Variant Classification Sherloc (09022015). Collection method: clinical testing. Allele origin: unknown.
Comment: This variant is a gross deletion of the genomic region encompassing exon(s) 22-83 of the ADGRV1 gene. This variant would be expected to be in-frame, preserving the integrity of the reading frame. This variant has not been reported in the literature in individuals affected with ADGRV1-related conditions. This variant disrupts a region of the ADGRV1 protein in which other variant(s) (p.Arg2377Gln) have been determined to be pathogenic (PMID: 26338283, 33089500). This suggests that this is a clinically significant region of the protein, and that variants that disrupt it are likely to be disease-causing. For these reasons, this variant has been classified as Pathogenic.

Literature cited by the submitters: PubMed 26338283; PubMed 33089500.

NC_000005.9:g.(?_89968343)_(90159694_?)del

Gene: ADGRV1 (adhesion G protein-coupled receptor V1; plus strand). Cytogenetic location: 5q14.3.
Variant type: Deletion.
Identifiers: ClinVar variation 3246544 (VCV003246544.1).